The following is an entry in ClinVar:

NM_000404.4(GLB1):c.1527G>A (p.Trp509Ter)

Gene: GLB1 (galactosidase beta 1; minus strand). Cytogenetic location: 3p22.3.
Variant type: single nucleotide variant.
Coding change: c.1527G>A on transcript NM_000404.4 (MANE Select); coding-DNA position 1527, G replaced by A.
Protein change: p.Trp509Ter; replaces tryptophan 509 with a stop codon.
Molecular consequence: nonsense.
Genome position (GRCh38, 1-based): chr3:33,014,263, C>T on the plus strand (G>A on the coding strand, the complement: GLB1 is on the minus strand). VCF-style: chr3-33014263-C-T. GRCh37 (hg19) VCF-style: chr3-33055755-C-T.
Other names: c.1437G>A, p.Trp479Ter (NM_001079811.3); c.1134G>A, p.Trp378Ter (NM_001135602.3); c.1671G>A, p.Trp557Ter (NM_001317040.2); c.1527G>A, p.Trp509Ter (NM_001393580.1); short protein forms W378*, W479*, W509*, W557*.
Identifiers: ClinVar variation 4818316 (VCV004818316.1).

ClinVar aggregate classification (germline): Likely pathogenic (1 of 4 stars; one submission).

Conditions:
Mucopolysaccharidosis, MPS-IV-B (MPS4B). Also called: MORQUIO SYNDROME B; Mucopolysaccharidosis type 4B; Mucopolysaccharidosis type IVB (Morquio); MPS IVB; Mucopolysaccharidosis type IV B; Mucopolysaccharidosis Type IVB. Identifiers: Orphanet 309310, Orphanet 582, MedGen C0086652, MONDO:0009660, OMIM 253010.

Submission:

Natera, Inc.
Classification: Likely pathogenic for Mucopolysaccharidosis, MPS-IV-B. Last evaluated: 2024-05-20. Review status: criteria provided, single submitter. Criteria: Natera Variant Classification Schema (03/2026). Collection method: clinical testing. Allele origin: germline.
Comment: The c.1527G>A variant in GLB1 is a nonsense variant predicted to introduce a stop codon at amino acid 509. This variant is expected to result in nonsense mediated decay, truncation, or a dysfunctional protein product. This variant is rare in the general population with a frequency below the threshold expected for the associated phenotype(s). Given the available evidence, this variant is classified as Likely Pathogenic.